The following is an entry in ClinVar:

NM_001267550.2(TTN):c.3831_3835del (p.Glu1277fs)

Genes: TTN (titin; minus strand), LOC101927055 (uncharacterized LOC101927055; plus strand). Cytogenetic location: 2q31.2.
Variant type: Deletion.
Coding change: c.3831_3835del on transcript NM_001267550.2 (MANE Select); coding-DNA positions 3831 to 3835, 5 bases deleted (AAAGA; older notation c.3831_3835delAAAGA).
Protein change: p.Glu1277fs; shifts the reading frame from glutamic acid 1277.
Molecular consequence: frameshift variant.
Genome position (GRCh38, 1-based): chr2:178,779,357-178,779,361, TCTTT deleted on the plus strand (AAAGA on the coding strand, the reverse complement: TTN is on the minus strand); deleting any 5 consecutive bases within chr2:178,779,357-178,779,365 gives the same sequence; the c. name uses the placement nearest the transcript's 3' end. VCF-style (leftmost placement, unchanged base first): chr2-178779356-ATCTTT-A. GRCh37 (hg19) VCF-style: chr2-179644083-ATCTTT-A.
Other names: c.3831_3835delAAAGA (NM_001267550.2); c.3831_3835del, p.Glu1277fs (NM_001256850.1, NM_133378.4, NM_133379.5); c.3693_3697del, p.Glu1231fs (NM_003319.4, NM_133432.3, NM_133437.4); short protein forms E1231fs, E1277fs.
Identifiers: ClinVar variation 405098 (VCV000405098.11), dbSNP rs1060500558, ClinGen allele CA16610566.

ClinVar aggregate classification (germline): Likely pathogenic (1 of 4 stars; one submission).

Conditions:
Dilated cardiomyopathy 1G (CMD1G). Identifiers: Orphanet 154, MedGen C1858763, MONDO:0011400, OMIM 604145.
Autosomal recessive limb-girdle muscular dystrophy type 2J (LGMDR10). Also called: Limb-girdle muscular dystrophy, type 2J; MUSCULAR DYSTROPHY, LIMB-GIRDLE, AUTOSOMAL RECESSIVE 10. Identifiers: Orphanet 140922, MedGen C1837342, MONDO:0012127, OMIM 608807.

Submission:

Labcorp Genetics (formerly Invitae), Labcorp
Classification: Likely pathogenic for Dilated cardiomyopathy 1G; Autosomal recessive limb-girdle muscular dystrophy type 2J. Last evaluated: 2025-04-27. Review status: criteria provided, single submitter. Criteria: Invitae Variant Classification Sherloc (09022015). Collection method: clinical testing. Allele origin: germline.
Comment: This sequence change creates a premature translational stop signal (p.Glu1277Aspfs*4) in the TTN gene. While this is not anticipated to result in nonsense mediated decay, it is expected to create a truncated TTN protein. This variant is not present in population databases (gnomAD no frequency). This variant has not been reported in the literature in individuals affected with TTN-related conditions. ClinVar contains an entry for this variant (Variation ID: 405098). This variant is located in the Z band of TTN (PMID: 25589632). Truncating variants in this region have been reported in individuals affected with autosomal recessive centronuclear myopathy (PMID: 33449170, internal data). Truncating variants in this region have also been identified in individuals affected with autosomal dominant dilated cardiomyopathy and/or cardio-related conditions (PMID: 27869827, 32964742, internal data). In summary, the currently available evidence indicates that the variant is pathogenic, but additional data are needed to prove that conclusively. Therefore, this variant has been classified as Likely Pathogenic.

Literature cited by the submitters: PubMed 25589632; PubMed 33449170; PubMed 27869827; PubMed 32964742.